The following is an entry in ClinVar:

NM_000785.4(CYP27B1):c.812G>T (p.Arg271Leu)

Gene: CYP27B1 (cytochrome P450 family 27 subfamily B member 1; minus strand). Cytogenetic location: 12q14.1.
Variant type: single nucleotide variant.
Coding change: c.812G>T on transcript NM_000785.4 (MANE Select); coding-DNA position 812, G replaced by T.
Protein change: p.Arg271Leu; replaces arginine 271 with leucine.
Molecular consequence: missense variant.
Genome position (GRCh38, 1-based): chr12:57,764,905, C>A on the plus strand (G>T on the coding strand, the complement: CYP27B1 is on the minus strand). VCF-style: chr12-57764905-C-A. GRCh37 (hg19) VCF-style: chr12-58158688-C-A.
Other names: short protein forms R271L.
Identifiers: ClinVar variation 1948301 (VCV001948301.2), dbSNP rs2540916713, ClinGen allele CA385504984.

ClinVar aggregate classification (germline): Uncertain significance (1 of 4 stars; one submission).

Allele frequency attached by ClinVar (database versions not stated): gnomAD exomes 0.00001.

Submission:

Labcorp Genetics (formerly Invitae), Labcorp
Classification: Uncertain significance. Last evaluated: 2021-11-30. Review status: criteria provided, single submitter. Criteria: Invitae Variant Classification Sherloc (09022015). Collection method: clinical testing. Allele origin: germline.
Comment: This sequence change replaces arginine, which is basic and polar, with leucine, which is neutral and non-polar, at codon 271 of the CYP27B1 protein (p.Arg271Leu). This variant is not present in population databases (gnomAD no frequency). This variant has not been reported in the literature in individuals affected with CYP27B1-related conditions. Algorithms developed to predict the effect of missense changes on protein structure and function are either unavailable or do not agree on the potential impact of this missense change (SIFT: "Deleterious"; PolyPhen-2: "Possibly Damaging"; Align-GVGD: "Class C0"). In summary, the available evidence is currently insufficient to determine the role of this variant in disease. Therefore, it has been classified as a Variant of Uncertain Significance.